The following is an entry in ClinVar:

NM_000238.4(KCNH2):c.214C>T (p.Pro72Ser)

Gene: KCNH2 (potassium voltage-gated channel subfamily H member 2; minus strand). Cytogenetic location: 7q36.1.
Variant type: single nucleotide variant.
Coding change: c.214C>T on transcript NM_000238.4 (MANE Select); coding-DNA position 214, C replaced by T.
Protein change: p.Pro72Ser; replaces proline 72 with serine.
Molecular consequence: missense variant.
Genome position (GRCh38, 1-based): chr7:150,974,804, G>A on the plus strand (C>T on the coding strand, the complement: KCNH2 is on the minus strand). VCF-style: chr7-150974804-G-A. GRCh37 (hg19) VCF-style: chr7-150671892-G-A.
Other names: p.P72S:CCG>TCG; p.Pro72Ser; c.37C>T, p.Pro13Ser (NM_001406755.1); c.214C>T, p.Pro72Ser (NM_172056.3); short protein forms P72S, P13S.
Identifiers: ClinVar variation 200564 (VCV000200564.13), dbSNP rs794728411, ClinGen allele CA006286.

ClinVar aggregate classification (germline): Conflicting classifications of pathogenicity. Review status: criteria provided, conflicting classifications (1 of 4 stars). 4 submissions from 4 submitters: Pathogenic (1); Likely pathogenic (2); Uncertain significance (1). Last evaluated 2024-06-25.

Conditions:
KCNH2-related disorder. Also called: KCNH2-related condition; KCNH2-related disorders.
Long QT syndrome (LQTS). Identifiers: MedGen C0023976, MeSH D008133, MONDO:0002442. Disease mechanism: loss of function. Inheritance: Various modes of inheritance.

Submissions (4):

Blueprint Genetics
Classification: Likely pathogenic for KCNH2-related disorders. Last evaluated: 2024-06-25. Review status: criteria provided, single submitter. Criteria: ACMG Guidelines, 2015. Collection method: clinical testing. Allele origin: germline. Affected: yes. Observed: 3 variant alleles.

Labcorp Genetics (formerly Invitae), Labcorp
Classification: Uncertain significance for Long QT syndrome. Last evaluated: 2023-07-08. Review status: criteria provided, single submitter. Criteria: Invitae Variant Classification Sherloc (09022015). Collection method: clinical testing. Allele origin: germline.
Comment: In summary, the available evidence is currently insufficient to determine the role of this variant in disease. Therefore, it has been classified as a Variant of Uncertain Significance. This variant disrupts the p.Pro72 amino acid residue in KCNH2. Other variant(s) that disrupt this residue have been determined to be pathogenic (PMID: 10973849, 19716085, 21440677; Invitae). This suggests that this residue is clinically significant, and that variants that disrupt this residue are likely to be disease-causing. An algorithm developed to predict the effect of missense changes on protein structure and function (PolyPhen-2) suggests that this variant is likely to be disruptive. ClinVar contains an entry for this variant (Variation ID: 200564). This variant has not been reported in the literature in individuals affected with KCNH2-related conditions. This variant is not present in population databases (gnomAD no frequency). This sequence change replaces proline, which is neutral and non-polar, with serine, which is neutral and polar, at codon 72 of the KCNH2 protein (p.Pro72Ser).

Mayo Clinic Laboratories, Mayo Clinic
Classification: Likely pathogenic. Last evaluated: 2021-09-10. Review status: criteria provided, single submitter. Criteria: ACMG Guidelines, 2015. Collection method: clinical testing. Allele origin: germline.
Comment: PP3, PM1, PM2, PM5

GeneDx
Classification: Pathogenic. Last evaluated: 2014-04-12. Review status: criteria provided, single submitter. Criteria: GeneDx Variant Classification (06012015). Collection method: clinical testing. Allele origin: germline. Affected: yes.
Comment: p.Pro72Ser (CCG>TCG): c.214 C>T in exon 2 of the KCNH2 gene (NM_000238.2)The P72S mutation in the KCNH2 gene has not been reported as a disease-causing mutation or as a benign polymorphism to our knowledge. However, different missense mutations at the same residue (P72Q, P72R, P72L) have been reported in association with LQTS (Splawski et al., 2000; Crotti et al., 2008; Kapplinger et al., 2009). Additionally, mutations in nearby residues (G71R, G71E, T74R, T74M, T74P) have been reported in association with LQTS, further supporting the functional importance of this residue and this region of the protein. The P72S variant is a non-conservative amino acid substitution as these residues differ in polarity, charge, size and/or other properties and is more likely to impact secondary structure. This substitution occurs at a position that is mostly conserved across species. Furthermore, the P72S mutation was not observed inapproximately 6,500 individuals of European and African American ancestry in the NHLBI Exome Sequencing Project, indicating it is not a common benign variant in these populations.In summary, P72S in the KCNH2 gene is interpreted as a likely disease-causing mutation. The variant is found in LQT panel(s).

Literature cited by the submitters: PubMed 10973849 (cited by Labcorp Genetics (formerly Invitae), Labcorp and Mayo Clinic Laboratories, Mayo Clinic); PubMed 19716085 (cited by Labcorp Genetics (formerly Invitae), Labcorp and Mayo Clinic Laboratories, Mayo Clinic); PubMed 21440677 (cited by Labcorp Genetics (formerly Invitae), Labcorp); PubMed 23158531 (cited by Mayo Clinic Laboratories, Mayo Clinic); PubMed 25417810 (cited by Mayo Clinic Laboratories, Mayo Clinic); PubMed 30847666 (cited by Mayo Clinic Laboratories, Mayo Clinic); PubMed 32475984 (cited by Mayo Clinic Laboratories, Mayo Clinic).